The following is an entry in ClinVar:

ClinVar aggregate classification (germline): Uncertain significance. Review status: criteria provided, multiple submitters, no conflicts (2 of 4 stars). 2 submissions from 2 submitters: Uncertain significance (2). Last evaluated 2025-10-01.

Conditions:
Inborn genetic diseases. Identifiers: MedGen C0950123, MeSH D030342.

Allele frequency attached by ClinVar (database versions not stated): ExAC 0.00001; gnomAD 0.00001; gnomAD exomes 0.00001 and 0.00002; TOPMed 0.00003.
gnomAD v4.1: 10 of 1,579,944 alleles (0.00063%); highest among the groups gnomAD compares: Admixed American, 0.012%; no homozygotes.

Submissions (2):

Labcorp Genetics (formerly Invitae), Labcorp
Classification: Uncertain significance. Last evaluated: 2025-10-01. Review status: criteria provided, single submitter. Criteria: Invitae Variant Classification Sherloc (09022015). Collection method: clinical testing. Allele origin: germline.
Comment: This sequence change replaces threonine, which is neutral and polar, with methionine, which is neutral and non-polar, at codon 211 of the C7 protein (p.Thr211Met). The frequency data for this variant in the population databases is considered unreliable, as metrics indicate poor data quality at this position in the gnomAD database. This variant has not been reported in the literature in individuals affected with C7-related conditions. ClinVar contains an entry for this variant (Variation ID: 1396091). Invitae Evidence Modeling of protein sequence and biophysical properties (such as structural, functional, and spatial information, amino acid conservation, physicochemical variation, residue mobility, and thermodynamic stability) indicates that this missense variant is expected to disrupt C7 protein function with a positive predictive value of 80%. Algorithms developed to predict the effect of sequence changes on RNA splicing suggest that this variant may create or strengthen a splice site. In summary, the available evidence is currently insufficient to determine the role of this variant in disease. Therefore, it has been classified as a Variant of Uncertain Significance.

Ambry Genetics
Classification: Uncertain significance for Inborn genetic diseases. Last evaluated: 2024-12-23. Review status: criteria provided, single submitter. Criteria: Ambry Variant Classification Scheme 2023. Collection method: clinical testing. Allele origin: germline.

NM_000587.4(C7):c.632C>T (p.Thr211Met)

Gene: C7 (complement C7; plus strand). Cytogenetic location: 5p13.1.
Variant type: single nucleotide variant.
Coding change: c.632C>T on transcript NM_000587.4 (MANE Select); coding-DNA position 632, C replaced by T.
Protein change: p.Thr211Met; replaces threonine 211 with methionine.
Molecular consequence: missense variant.
Genome position (GRCh38, 1-based): chr5:40,945,262, C>T. VCF-style: chr5-40945262-C-T. GRCh37 (hg19) VCF-style: chr5-40945364-C-T.
Other names: c.632C>T (NM_000587.2); short protein forms T211M.
Identifiers: ClinVar variation 1396091 (VCV001396091.7), dbSNP rs749541097, ClinGen allele CA3249701.